The following is an entry in ClinVar:

NM_001709.5(BDNF):c.135C>T (p.Ser45=)

Genes: BDNF (brain derived neurotrophic factor; minus strand), BDNF-AS (BDNF antisense RNA; plus strand). Cytogenetic location: 11p14.1.
Variant type: single nucleotide variant.
Coding change: c.135C>T on transcript NM_001709.5 (MANE Select); coding-DNA position 135, C replaced by T.
Protein change: p.Ser45=; no amino-acid change (serine 45 retained).
Molecular consequence: synonymous variant. On other transcripts: non-coding transcript variant (5).
Genome position (GRCh38, 1-based): chr11:27,658,430, G>A on the plus strand (C>T on the coding strand, the complement: BDNF is on the minus strand). VCF-style: chr11-27658430-G-A. GRCh37 (hg19) VCF-style: chr11-27679977-G-A.
Other names: c.135C>T, p.Ser45= (NM_001143805.1, NM_001143806.1, NM_001143807.2 and 9 more transcripts); c.222C>T, p.Ser74= (NM_001143809.2); c.381C>T, p.Ser127= (NM_001143810.2); c.159C>T, p.Ser53= (NM_170731.5); c.180C>T, p.Ser60= (NM_170734.4).
Identifiers: ClinVar variation 3060439 (VCV003060439.2), dbSNP rs747701929, ClinGen allele CA5929135.

ClinVar aggregate classification (germline): Likely benign (0 of 4 stars; one submission).

Conditions:
BDNF-related disorder. Also called: BDNF-related condition.

Allele frequency attached by ClinVar (database versions not stated): gnomAD 0.00001; TOPMed 0.00001; gnomAD exomes 0.00002; ExAC 0.00003.
gnomAD v4.1: 30 of 1,614,066 alleles (0.0019%); highest among the groups gnomAD compares: South Asian, 0.025%; no homozygotes.

Submission:

PreventionGenetics, part of Exact Sciences
Classification: Likely benign for BDNF-related condition. Last evaluated: 2021-09-14. Review status: no assertion criteria provided. Collection method: clinical testing. Allele origin: germline.
Comment: This variant is classified as likely benign based on ACMG/AMP sequence variant interpretation guidelines (Richards et al. 2015 PMID: 25741868, with internal and published modifications).